The following is an entry in ClinVar:

ClinVar aggregate classification (germline): Pathogenic (1 of 4 stars; one submission).

Conditions:
Tooth agenesis, selective, 4 (STHAG4). Also called: LATERAL INCISORS, ABSENCE OF; LATERAL INCISORS, PEGGED OR MISSING; SUCCEDANEOUS TEETH, AGENESIS OF; TOOTH AGENESIS, SELECTIVE, 4, WITH OR WITHOUT ECTODERMAL DYSPLASIA. Identifiers: Orphanet 99798, MedGen C1835492, MONDO:0007881, OMIM 150400. Disease mechanism: loss of function.
Odonto-onycho-dermal dysplasia. Identifiers: Orphanet 2721, MedGen C0796093, MONDO:0009773, OMIM 257980.

Submission:

Labcorp Genetics (formerly Invitae), Labcorp
Classification: Pathogenic for Tooth agenesis, selective, 4; Odonto-onycho-dermal dysplasia. Last evaluated: 2025-10-08. Review status: criteria provided, single submitter. Criteria: Invitae Variant Classification Sherloc (09022015). Collection method: clinical testing. Allele origin: germline.
Comment: This sequence change affects the initiator codon of the WNT10A mRNA. This change may impact translation initiation or efficiency. The next in-frame methionine is located at codon 36. This variant is present in population databases (no rsID available, gnomAD 0.001%). Disruption of the initiator codon has been observed in individual(s) with autosomal recessive WNT10A-related conditions (PMID: 23401279). In at least one individual the data is consistent with being in trans (on the opposite chromosome) from a pathogenic variant. ClinVar contains an entry for this variant (Variation ID: 2921455). This variant disrupts a region of the WNT10A protein in which other variant(s) (p.Leu29Arg) have been observed in individuals with WNT10A-related conditions (PMID: 30974434). This suggests that this is a clinically significant region of the protein, and that variants that disrupt it are likely to be disease-causing. For these reasons, this variant has been classified as Pathogenic.

Literature cited by the submitters: PubMed 23401279; PubMed 30974434.

NM_025216.3(WNT10A):c.1A>G (p.Met1Val)

Gene: WNT10A (Wnt family member 10A; plus strand). Cytogenetic location: 2q35.
Variant type: single nucleotide variant.
Coding change: c.1A>G on transcript NM_025216.3 (MANE Select); coding-DNA position 1, A replaced by G.
Protein change: p.Met1Val; changes the start codon (methionine 1).
Molecular consequence: missense variant, initiator codon variant.
Genome position (GRCh38, 1-based): chr2:218,880,996, A>G. VCF-style: chr2-218880996-A-G. GRCh37 (hg19) VCF-style: chr2-219745718-A-G.
Other names: short protein forms M1V.
Identifiers: ClinVar variation 2921455 (VCV002921455.3), dbSNP rs1221516695, ClinGen allele CA350616715.